The following is an entry in ClinVar:

ClinVar aggregate classification (germline): Uncertain significance. Review status: criteria provided, multiple submitters, no conflicts (2 of 4 stars). 4 submissions from 4 submitters: Uncertain significance (4). Last evaluated 2025-04-18.

Conditions:
Inborn genetic diseases. Identifiers: MedGen C0950123, MeSH D030342.

Allele frequency attached by ClinVar (database versions not stated): ExAC 0.00001; gnomAD 0.00001; TOPMed 0.00001; gnomAD exomes 0.00002.
gnomAD v4.1: 28 of 1,613,686 alleles (0.0017%); highest among the groups gnomAD compares: Middle Eastern, 0.033%; no homozygotes.

Submissions (4):

Ambry Genetics
Classification: Uncertain significance for Inborn genetic diseases. Last evaluated: 2025-04-18. Review status: criteria provided, single submitter. Criteria: Ambry Variant Classification Scheme 2023. Collection method: clinical testing. Allele origin: germline.

CeGaT Center for Human Genetics Tuebingen
Classification: Uncertain significance. Last evaluated: 2024-02-01. Review status: criteria provided, single submitter. Criteria: CeGaT Center For Human Genetics Tuebingen Variant Classification Criteria Version 2. Collection method: clinical testing. Allele origin: germline. Affected: yes. Observed: 1 variant allele.

GeneDx
Classification: Uncertain significance. Last evaluated: 2022-06-15. Review status: criteria provided, single submitter. Criteria: GeneDx Variant Classification Process June 2021. Collection method: clinical testing. Allele origin: germline. Affected: yes.
Comment: Not observed at significant frequency in large population cohorts (gnomAD); In silico analysis supports that this missense variant has a deleterious effect on protein structure/function; Has not been previously published as pathogenic or benign to our knowledge

Labcorp Genetics (formerly Invitae), Labcorp
Classification: Uncertain significance. Last evaluated: 2022-03-20. Review status: criteria provided, single submitter. Criteria: Invitae Variant Classification Sherloc (09022015). Collection method: clinical testing. Allele origin: germline.
Comment: This sequence change replaces leucine, which is neutral and non-polar, with serine, which is neutral and polar, at codon 1732 of the NBAS protein (p.Leu1732Ser). This variant is present in population databases (rs778249977, gnomAD 0.003%). This variant has not been reported in the literature in individuals affected with NBAS-related conditions. Algorithms developed to predict the effect of missense changes on protein structure and function (SIFT, PolyPhen-2, Align-GVGD) all suggest that this variant is likely to be disruptive. In summary, the available evidence is currently insufficient to determine the role of this variant in disease. Therefore, it has been classified as a Variant of Uncertain Significance.

NM_015909.4(NBAS):c.5195T>C (p.Leu1732Ser)

Gene: NBAS (NBAS subunit of NRZ tethering complex; minus strand). Cytogenetic location: 2p24.3.
Variant type: single nucleotide variant.
Coding change: c.5195T>C on transcript NM_015909.4 (MANE Select); coding-DNA position 5195, T replaced by C.
Protein change: p.Leu1732Ser; replaces leucine 1732 with serine.
Molecular consequence: missense variant. On other transcripts: non-coding transcript variant (1).
Genome position (GRCh38, 1-based): chr2:15,277,045, A>G on the plus strand (T>C on the coding strand, the complement: NBAS is on the minus strand). VCF-style: chr2-15277045-A-G. GRCh37 (hg19) VCF-style: chr2-15417169-A-G.
Other names: c.5195T>C (NM_015909.2); short protein forms L1732S.
Identifiers: ClinVar variation 1804179 (VCV001804179.24), dbSNP rs778249977, ClinGen allele CA1535357.